The following is an entry in ClinVar:

NM_001035.3(RYR2):c.3421A>C (p.Lys1141Gln)

Gene: RYR2 (ryanodine receptor 2; plus strand). Cytogenetic location: 1q43.
Variant type: single nucleotide variant.
Coding change: c.3421A>C on transcript NM_001035.3 (MANE Select); coding-DNA position 3421, A replaced by C.
Protein change: p.Lys1141Gln; replaces lysine 1141 with glutamine.
Molecular consequence: missense variant.
Genome position (GRCh38, 1-based): chr1:237,566,773, A>C. VCF-style: chr1-237566773-A-C. GRCh37 (hg19) VCF-style: chr1-237730073-A-C.
Other names: short protein forms K1141Q.
Identifiers: ClinVar variation 2722064 (VCV002722064.3), dbSNP rs1237155843, ClinGen allele CA345398942.

ClinVar aggregate classification (germline): Uncertain significance (1 of 4 stars; one submission).

Conditions:
Catecholaminergic polymorphic ventricular tachycardia 1. Also called: VENTRICULAR TACHYCARDIA, STRESS-INDUCED POLYMORPHIC 1; RYR2-Related Catecholaminergic Polymorphic Ventricular Tachycardia; VENTRICULAR TACHYCARDIA, CATECHOLAMINERGIC POLYMORPHIC, 1, WITH OR WITHOUT ATRIAL DYSFUNCTION AND/OR DILATED CARDIOMYOPATHY. Identifiers: Orphanet 3286, MedGen C1631597, MONDO:0011484, OMIM 604772.

Allele frequency attached by ClinVar (database versions not stated): TOPMed below 0.00001; gnomAD 0.00001.
gnomAD v4.1: 1 of 1,613,780 alleles (0.000062%); highest among the groups gnomAD compares: African/African-American, 0.0013%; no homozygotes.

Submission:

Labcorp Genetics (formerly Invitae), Labcorp
Classification: Uncertain significance for Catecholaminergic polymorphic ventricular tachycardia 1. Last evaluated: 2023-12-14. Review status: criteria provided, single submitter. Criteria: Invitae Variant Classification Sherloc (09022015). Collection method: clinical testing. Allele origin: germline.
Comment: This sequence change replaces lysine, which is basic and polar, with glutamine, which is neutral and polar, at codon 1141 of the RYR2 protein (p.Lys1141Gln). This variant is present in population databases (no rsID available, gnomAD 0.002%). This variant has not been reported in the literature in individuals affected with RYR2-related conditions. An algorithm developed to predict the effect of missense changes on protein structure and function (PolyPhen-2) suggests that this variant is likely to be disruptive. In summary, the available evidence is currently insufficient to determine the role of this variant in disease. Therefore, it has been classified as a Variant of Uncertain Significance.